The following is an entry in ClinVar:

ClinVar aggregate classification (germline): Uncertain significance (1 of 4 stars; one submission).

Allele frequency attached by ClinVar (database versions not stated): gnomAD exomes below 0.00001.
gnomAD v4.1: 1 of 1,614,164 alleles (0.000062%); highest among the groups gnomAD compares: Non-Finnish European, 0.000085%; no homozygotes.

Submission:

Labcorp Genetics (formerly Invitae), Labcorp
Classification: Uncertain significance. Last evaluated: 2021-11-19. Review status: criteria provided, single submitter. Criteria: Invitae Variant Classification Sherloc (09022015). Collection method: clinical testing. Allele origin: germline.
Comment: In summary, the available evidence is currently insufficient to determine the role of this variant in disease. Therefore, it has been classified as a Variant of Uncertain Significance. Advanced modeling of protein sequence and biophysical properties (such as structural, functional, and spatial information, amino acid conservation, physicochemical variation, residue mobility, and thermodynamic stability) performed at Invitae indicates that this missense variant is not expected to disrupt MTOR protein function. This variant has not been reported in the literature in individuals affected with MTOR-related conditions. This variant is not present in population databases (gnomAD no frequency). This sequence change replaces threonine, which is neutral and polar, with isoleucine, which is neutral and non-polar, at codon 2474 of the MTOR protein (p.Thr2474Ile).

NM_004958.4(MTOR):c.7421C>T (p.Thr2474Ile)

Gene: MTOR (mechanistic target of rapamycin kinase; minus strand). Cytogenetic location: 1p36.22.
Variant type: single nucleotide variant.
Coding change: c.7421C>T on transcript NM_004958.4 (MANE Select); coding-DNA position 7421, C replaced by T.
Protein change: p.Thr2474Ile; replaces threonine 2474 with isoleucine.
Molecular consequence: missense variant.
Genome position (GRCh38, 1-based): chr1:11,109,675, G>A on the plus strand (C>T on the coding strand, the complement: MTOR is on the minus strand). VCF-style: chr1-11109675-G-A. GRCh37 (hg19) VCF-style: chr1-11169732-G-A.
Other names: c.7421C>T, p.Thr2474Ile (NM_001386500.1); c.6173C>T, p.Thr2058Ile (NM_001386501.1); short protein forms T2474I, T2058I.
Identifiers: ClinVar variation 1394054 (VCV001394054.6), dbSNP rs2100289380, ClinGen allele CA338378950.